The following is an entry in ClinVar:

NM_004304.5(ALK):c.1155-5A>G

Gene: ALK (ALK receptor tyrosine kinase; minus strand). Cytogenetic location: 2p23.2.
Variant type: single nucleotide variant.
Coding change: c.1155-5A>G on transcript NM_004304.5 (MANE Select); 5 bases into the intron before coding-DNA position 1155, A replaced by G.
Molecular consequence: intron variant.
Genome position (GRCh38, 1-based): chr2:29,383,864, T>C on the plus strand (A>G on the coding strand, the complement: ALK is on the minus strand). VCF-style: chr2-29383864-T-C. GRCh37 (hg19) VCF-style: chr2-29606730-T-C.
Identifiers: ClinVar variation 2109821 (VCV002109821.4), dbSNP rs2148301818, ClinGen allele CA2580066400.

ClinVar aggregate classification (germline): Uncertain significance (1 of 4 stars; one submission).

Conditions:
Neuroblastoma, susceptibility to, 3. Also called: ALK-Related Neuroblastic Tumor Susceptibility. Identifiers: Orphanet 635, MedGen C2751681, MONDO:0013083, OMIM 613014.

Allele frequency attached by ClinVar (database versions not stated): gnomAD exomes below 0.00001.
gnomAD v4.1: 2 of 1,613,892 alleles (0.00012%); highest among the groups gnomAD compares: Non-Finnish European, 0.00017%; no homozygotes.

Submission:

Labcorp Genetics (formerly Invitae), Labcorp
Classification: Uncertain significance for Neuroblastoma, susceptibility to, 3. Last evaluated: 2022-04-19. Review status: criteria provided, single submitter. Criteria: Invitae Variant Classification Sherloc (09022015). Collection method: clinical testing. Allele origin: germline.
Comment: In summary, the available evidence is currently insufficient to determine the role of this variant in disease. Therefore, it has been classified as a Variant of Uncertain Significance. Algorithms developed to predict the effect of sequence changes on RNA splicing suggest that this variant may disrupt the consensus splice site. This variant is not present in population databases (gnomAD no frequency). This variant has not been reported in the literature in individuals affected with ALK-related conditions. This sequence change falls in intron 4 of the ALK gene. It does not directly change the encoded amino acid sequence of the ALK protein.